The following is an entry in ClinVar:

NM_152365.3(KDF1):c.8G>A (p.Arg3His)

Gene: KDF1 (keratinocyte differentiation factor 1; minus strand). Cytogenetic location: 1p36.11.
Variant type: single nucleotide variant.
Coding change: c.8G>A on transcript NM_152365.3 (MANE Select); coding-DNA position 8, G replaced by A.
Protein change: p.Arg3His; replaces arginine 3 with histidine.
Molecular consequence: missense variant.
Genome position (GRCh38, 1-based): chr1:26,952,373, C>T on the plus strand (G>A on the coding strand, the complement: KDF1 is on the minus strand). VCF-style: chr1-26952373-C-T. GRCh37 (hg19) VCF-style: chr1-27278864-C-T.
Other names: short protein forms R3H.
Identifiers: ClinVar variation 1722844 (VCV001722844.7), dbSNP rs200247502, ClinGen allele CA710412.
Genomic context (GRCh38, chr1:26,952,373, plus strand): 5'-GTTGGCCGCTCCCACGGTCCCAAGCGTGGAGGCCCAGATGCTGGGCGGGGGTGTCCAGGG[C>T]GGGGCATGGCTCATTGCATGGTTTGTAGCAGCCAGGCACCTGCGTGGGGAGAGGCCAGGA-3'
Protein context (NP_689578.2, residues 1-13): MP[Arg3His]PGHPRPASGP

ClinVar aggregate classification (germline): Uncertain significance. Review status: criteria provided, multiple submitters, no conflicts (2 of 4 stars). 2 submissions from 2 submitters: Uncertain significance (2). Last evaluated 2022-08-23.

Allele frequency attached by ClinVar (database versions not stated): gnomAD 0.00011; ExAC 0.00005; TOPMed 0.00013.
gnomAD v4.1: 132 of 1,503,358 alleles (0.0088%); highest among the groups gnomAD compares: Middle Eastern, 0.019%; no homozygotes.

Submissions (2):

Labcorp Genetics (formerly Invitae), Labcorp
Classification: Uncertain significance. Last evaluated: 2022-08-23. Review status: criteria provided, single submitter. Criteria: Invitae Variant Classification Sherloc (09022015). Collection method: clinical testing. Allele origin: germline.
Comment: Algorithms developed to predict the effect of missense changes on protein structure and function are either unavailable or do not agree on the potential impact of this missense change (SIFT: "Deleterious"; PolyPhen-2: "Possibly Damaging"; Align-GVGD: "Class C0"). This variant has not been reported in the literature in individuals affected with KDF1-related conditions. This variant is present in population databases (rs200247502, gnomAD 0.03%). This sequence change replaces arginine, which is basic and polar, with histidine, which is basic and polar, at codon 3 of the KDF1 protein (p.Arg3His). In summary, the available evidence is currently insufficient to determine the role of this variant in disease. Therefore, it has been classified as a Variant of Uncertain Significance.

GeneDx
Classification: Uncertain significance. Last evaluated: 2022-05-02. Review status: criteria provided, single submitter. Criteria: GeneDx Variant Classification Process June 2021. Collection method: clinical testing. Allele origin: germline. Affected: yes.
Comment: In silico analysis supports that this missense variant does not alter protein structure/function; Has not been previously published as pathogenic or benign to our knowledge